The following is an entry in ClinVar:

ClinVar aggregate classification (germline): Uncertain significance (1 of 4 stars; one submission).

Conditions:
Familial cancer of breast. Also called: hereditary breast carcinoma; BREAST CANCER, FAMILIAL; Hereditary breast cancer. Identifiers: Orphanet 227535, MedGen C0346153, MONDO:0016419, OMIM 114480. Disease mechanism: loss of function.

Submission:

Labcorp Genetics (formerly Invitae), Labcorp
Classification: Uncertain significance for Familial cancer of breast. Last evaluated: 2022-04-25. Review status: criteria provided, single submitter. Criteria: Invitae Variant Classification Sherloc (09022015). Collection method: clinical testing. Allele origin: germline.
Comment: This variant has not been reported in the literature in individuals affected with BARD1-related conditions. This variant is not present in population databases (gnomAD no frequency). This sequence change replaces alanine, which is neutral and non-polar, with aspartic acid, which is acidic and polar, at codon 594 of the BARD1 protein (p.Ala594Asp). Algorithms developed to predict the effect of missense changes on protein structure and function are either unavailable or do not agree on the potential impact of this missense change (SIFT: "Deleterious"; PolyPhen-2: "Benign"; Align-GVGD: "Class C15"). In summary, the available evidence is currently insufficient to determine the role of this variant in disease. Therefore, it has been classified as a Variant of Uncertain Significance.

NM_000465.4(BARD1):c.1781C>A (p.Ala594Asp)

Gene: BARD1 (BRCA1 associated RING domain 1; minus strand). Cytogenetic location: 2q35.
Variant type: single nucleotide variant.
Coding change: c.1781C>A on transcript NM_000465.4 (MANE Select); coding-DNA position 1781, C replaced by A.
Protein change: p.Ala594Asp; replaces alanine 594 with aspartic acid.
Molecular consequence: missense variant. On other transcripts: non-coding transcript variant (3), intron variant (1).
Genome position (GRCh38, 1-based): chr2:214,745,751, G>T on the plus strand (C>A on the coding strand, the complement: BARD1 is on the minus strand). VCF-style: chr2-214745751-G-T. GRCh37 (hg19) VCF-style: chr2-215610475-G-T.
Other names: c.1724C>A, p.Ala575Asp (NM_001282543.2); c.428C>A, p.Ala143Asp (NM_001282545.2); c.371C>A, p.Ala124Asp (NM_001282548.2); c.365-15243C>A (NM_001282549.2); short protein forms A124D, A594D, A143D, A575D.
Identifiers: ClinVar variation 2130682 (VCV002130682.4), dbSNP rs75709313, ClinGen allele CA64802856.